The following is an entry in ClinVar:

NM_022772.4(EPS8L2):c.1060A>G (p.Ile354Val)

Gene: EPS8L2 (EPS8 signaling adaptor L2; plus strand). Cytogenetic location: 11p15.5.
Variant type: single nucleotide variant.
Coding change: c.1060A>G on transcript NM_022772.4 (MANE Select); coding-DNA position 1060, A replaced by G.
Protein change: p.Ile354Val; replaces isoleucine 354 with valine.
Molecular consequence: missense variant.
Genome position (GRCh38, 1-based): chr11:722,401, A>G. VCF-style: chr11-722401-A-G. GRCh37 (hg19) VCF-style: chr11-722401-A-G.
Other names: short protein forms I354V.
Identifiers: ClinVar variation 2977931 (VCV002977931.3), dbSNP rs1862204050, ClinGen allele CA378971123.
Genomic context (GRCh38, chr11:722,401, plus strand): 5'-CGGGGGTGCTGGGCCAGGGTCTGTGGGCCTCAGTCCCCTCTGAACCTCACTGTGCCCCAG[A>G]TCGTCAACACCTGCAGTGGCCCAGACATCGCACGCTCCGTCTCCTGCCCACTGCTCTCCC-3'
Protein context (NP_073609.2, residues 344-364): VHFLFGPLDL[Ile354Val]VNTCSGPDIA

ClinVar aggregate classification (germline): Uncertain significance (1 of 4 stars; one submission).

Submission:

Labcorp Genetics (formerly Invitae), Labcorp
Classification: Uncertain significance. Last evaluated: 2025-06-02. Review status: criteria provided, single submitter. Criteria: Invitae Variant Classification Sherloc (09022015). Collection method: clinical testing. Allele origin: germline.
Comment: This sequence change replaces isoleucine, which is neutral and non-polar, with valine, which is neutral and non-polar, at codon 354 of the EPS8L2 protein (p.Ile354Val). This variant is not present in population databases (gnomAD no frequency). This variant has not been reported in the literature in individuals affected with EPS8L2-related conditions. ClinVar contains an entry for this variant (Variation ID: 2977931). An algorithm developed to predict the effect of missense changes on protein structure and function (PolyPhen-2) suggests that this variant is likely to be tolerated. In summary, the available evidence is currently insufficient to determine the role of this variant in disease. Therefore, it has been classified as a Variant of Uncertain Significance.